The following is an entry in ClinVar:

NM_198578.4(LRRK2):c.5896C>T (p.Leu1966Phe)

Gene: LRRK2 (leucine rich repeat kinase 2; plus strand). Cytogenetic location: 12q12.
Variant type: single nucleotide variant.
Coding change: c.5896C>T on transcript NM_198578.4 (MANE Select); coding-DNA position 5896, C replaced by T.
Protein change: p.Leu1966Phe; replaces leucine 1966 with phenylalanine.
Molecular consequence: missense variant.
Genome position (GRCh38, 1-based): chr12:40,335,105, C>T. VCF-style: chr12-40335105-C-T. GRCh37 (hg19) VCF-style: chr12-40728907-C-T.
Other names: short protein forms L1966F.
Identifiers: ClinVar variation 1362259 (VCV001362259.6), dbSNP rs375022337, ClinGen allele CA235329636.
Genomic context (GRCh38, chr12:40,335,105, plus strand): 5'-GTGATGGAGTTAGCCTCCAAGGGTTCCTTGGATCGCCTGCTTCAGCAGGACAAAGCCAGC[C>T]TCACTAGAACCCTACAGCACAGGATTGCACTCCACGTAGCTGATGGTTTGAGGTAAGTAG-3'
Protein context (NP_940980.4, residues 1956-1976): DRLLQQDKAS[Leu1966Phe]TRTLQHRIAL

ClinVar aggregate classification (germline): Uncertain significance (1 of 4 stars; one submission).

Conditions:
Autosomal dominant Parkinson disease 8. Also called: LRRK2-Related Parkinson Disease; Parkinson disease 8; Parkinson disease 8, susceptibility to. Identifiers: Orphanet 411602, MedGen C1846862, MONDO:0011764, OMIM 607060.

Allele frequency attached by ClinVar (database versions not stated): gnomAD 0.00001; gnomAD exomes 0.00001; TOPMed 0.00001; ESP Exome Variant Server 0.00008.
gnomAD v4.1: 10 of 1,613,956 alleles (0.00062%); highest among the groups gnomAD compares: Middle Eastern, 0.049%; no homozygotes.

Submission:

Labcorp Genetics (formerly Invitae), Labcorp
Classification: Uncertain significance for Autosomal dominant Parkinson disease 8. Last evaluated: 2021-10-23. Review status: criteria provided, single submitter. Criteria: Invitae Variant Classification Sherloc (09022015). Collection method: clinical testing. Allele origin: germline.
Comment: In summary, the available evidence is currently insufficient to determine the role of this variant in disease. Therefore, it has been classified as a Variant of Uncertain Significance. Algorithms developed to predict the effect of missense changes on protein structure and function are either unavailable or do not agree on the potential impact of this missense change (SIFT: "Deleterious"; PolyPhen-2: "Probably Damaging"; Align-GVGD: "Class C0"). This variant has not been reported in the literature in individuals affected with LRRK2-related conditions. This variant is not present in population databases (ExAC no frequency). This sequence change replaces leucine with phenylalanine at codon 1966 of the LRRK2 protein (p.Leu1966Phe). The leucine residue is highly conserved and there is a small physicochemical difference between leucine and phenylalanine.